The following is an entry in ClinVar:

ClinVar aggregate classification (germline): Conflicting classifications of pathogenicity. Review status: criteria provided, conflicting classifications (1 of 4 stars). 2 submissions from 2 submitters: Uncertain significance (1); Likely benign (1). Last evaluated 2025-04-03.

gnomAD v4.1: 3 of 1,614,054 alleles (0.00019%); highest among the groups gnomAD compares: Non-Finnish European, 0.00025%; no homozygotes.

Submissions (2):

Labcorp Genetics (formerly Invitae), Labcorp
Classification: Uncertain significance. Last evaluated: 2025-04-03. Review status: criteria provided, single submitter. Criteria: Invitae Variant Classification Sherloc (09022015). Collection method: clinical testing. Allele origin: germline.
Comment: This sequence change replaces alanine, which is neutral and non-polar, with aspartic acid, which is acidic and polar, at codon 844 of the HIVEP2 protein (p.Ala844Asp). This variant is present in population databases (rs367697779, gnomAD 0.004%). This variant has not been reported in the literature in individuals affected with HIVEP2-related conditions. Invitae Evidence Modeling of protein sequence and biophysical properties (such as structural, functional, and spatial information, amino acid conservation, physicochemical variation, residue mobility, and thermodynamic stability) indicates that this missense variant is not expected to disrupt HIVEP2 protein function with a negative predictive value of 80%. In summary, the available evidence is currently insufficient to determine the role of this variant in disease. Therefore, it has been classified as a Variant of Uncertain Significance.

Blueprint Genetics
Classification: Likely benign. Last evaluated: 2023-06-13. Review status: criteria provided, single submitter. Criteria: ACMG Guidelines, 2015. Collection method: clinical testing. Allele origin: germline.

NM_006734.4(HIVEP2):c.2531C>A (p.Ala844Asp)

Gene: HIVEP2 (HIVEP zinc finger 2; minus strand). Cytogenetic location: 6q24.2.
Variant type: single nucleotide variant.
Coding change: c.2531C>A on transcript NM_006734.4 (MANE Select); coding-DNA position 2531, C replaced by A.
Protein change: p.Ala844Asp; replaces alanine 844 with aspartic acid.
Molecular consequence: missense variant.
Genome position (GRCh38, 1-based): chr6:142,772,208, G>T on the plus strand (C>A on the coding strand, the complement: HIVEP2 is on the minus strand). VCF-style: chr6-142772208-G-T. GRCh37 (hg19) VCF-style: chr6-143093345-G-T.
Other names: c.2531C>A, p.Ala844Asp (NM_001438449.1, NM_001438450.1, NM_001438451.1); short protein forms A844D.
Identifiers: ClinVar variation 4779853 (VCV004779853.2).